The following is an entry in ClinVar:

NM_153704.6(TMEM67):c.1065+3A>C

Gene: TMEM67 (transmembrane protein 67; plus strand). Cytogenetic location: 8q22.1.
Variant type: single nucleotide variant.
Coding change: c.1065+3A>C on transcript NM_153704.6 (MANE Select); 3 bases into the intron after coding-DNA position 1065, A replaced by C.
Molecular consequence: intron variant.
Genome position (GRCh38, 1-based): chr8:93,781,747, A>C. VCF-style: chr8-93781747-A-C. GRCh37 (hg19) VCF-style: chr8-94793975-A-C.
Other names: c.822+3A>C (NM_001142301.1).
Identifiers: ClinVar variation 2045207 (VCV002045207.4), dbSNP rs758658630, ClinGen allele CA181327715.
Genomic context (GRCh38, chr8:93,781,747, plus strand): 5'-CTATGATATAAGAGGAAATTTTCTCAAGTGGCAAACTTTAGAAGGAGGTGTTTTACAGGT[A>C]AGCATGATTCTAGTTAAAGAATTAATAACATGCATTATTTTTGCCTGAGACAAAGCCAAG-3'

ClinVar aggregate classification (germline): Uncertain significance (1 of 4 stars; one submission).

Conditions:
Joubert syndrome. Also called: CEREBELLOPARENCHYMAL DISORDER IV; JOUBERT-BOLTSHAUSER SYNDROME; Familial aplasia of the vermis. Identifiers: Orphanet 475, MedGen C5979921, MONDO:0018772.
Meckel-Gruber syndrome. Also called: DYSENCEPHALIA SPLANCHNOCYSTICA; GRUBER SYNDROME; Dysencephalia splachnocystica. Identifiers: Orphanet 564, MedGen C0265215, MONDO:0018921.

Allele frequency attached by ClinVar (database versions not stated): gnomAD exomes below 0.00001.
gnomAD v4.1: 1 of 1,572,132 alleles (0.000064%); highest among the groups gnomAD compares: Admixed American, 0.0017%; no homozygotes.

Submission:

Labcorp Genetics (formerly Invitae), Labcorp
Classification: Uncertain significance for Joubert syndrome; Meckel-Gruber syndrome. Last evaluated: 2023-09-07. Review status: criteria provided, single submitter. Criteria: Invitae Variant Classification Sherloc (09022015). Collection method: clinical testing. Allele origin: germline.
Comment: In summary, the available evidence is currently insufficient to determine the role of this variant in disease. Therefore, it has been classified as a Variant of Uncertain Significance. Variants that disrupt the consensus splice site are a relatively common cause of aberrant splicing (PMID: 17576681, 9536098). Algorithms developed to predict the effect of sequence changes on RNA splicing suggest that this variant is not likely to affect RNA splicing. ClinVar contains an entry for this variant (Variation ID: 2045207). This variant has not been reported in the literature in individuals affected with TMEM67-related conditions. This variant is present in population databases (no rsID available, gnomAD 0.003%). This sequence change falls in intron 10 of the TMEM67 gene. It does not directly change the encoded amino acid sequence of the TMEM67 protein. It affects a nucleotide within the consensus splice site.

Literature cited by the submitters: PubMed 17576681; PubMed 9536098.